The following is an entry in ClinVar:

NM_145331.3(MAP3K7):c.721T>G (p.Trp241Gly)

Gene: MAP3K7 (mitogen-activated protein kinase kinase kinase 7; minus strand). Cytogenetic location: 6q15.
Variant type: single nucleotide variant.
Coding change: c.721T>G on transcript NM_145331.3 (MANE Select); coding-DNA position 721, T replaced by G.
Protein change: p.Trp241Gly; replaces tryptophan 241 with glycine.
Molecular consequence: missense variant.
Genome position (GRCh38, 1-based): chr6:90,553,473, A>C on the plus strand (T>G on the coding strand, the complement: MAP3K7 is on the minus strand). VCF-style: chr6-90553473-A-C. GRCh37 (hg19) VCF-style: chr6-91263192-A-C.
Other names: c.721T>G, p.Trp241Gly (NM_003188.4, NM_145332.3, NM_145333.3); short protein forms W241G.
Identifiers: ClinVar variation 423266 (VCV000423266.4), dbSNP rs886039237, ClinGen allele CA16618339.

ClinVar aggregate classification (germline): Pathogenic (1 of 4 stars; one submission).

Submission:

GeneDx
Classification: Pathogenic. Last evaluated: 2018-05-17. Review status: criteria provided, single submitter. Criteria: GeneDx Variant Classification (06012015). Collection method: clinical testing. Allele origin: germline. Affected: yes.
Comment: The W241G variant in the MAP3K7 gene has not been reported previously as a pathogenic variant, nor as a benign variant, to our knowledge. However, a variant at the same residue, W241R, has been reported in an individual with cardiospondylocarpofacial syndrome (Le Goff et al., 2016). The W241G variant is not observed in large population cohorts (Lek et al., 2016). The W241G variant is a semi-conservative amino acid substitution, which may impact secondary protein structure as these residues differ in some properties. In-silico analyses, including protein predictors and evolutionary conservation, support a deleterious effect. We interpret W241G as a pathogenic variant.